The following is an entry in ClinVar:

NM_001195605.2(ZNF865):c.2470C>T (p.Leu824Phe)

Gene: ZNF865 (zinc finger protein 865; plus strand). Cytogenetic location: 19q13.42.
Variant type: single nucleotide variant.
Coding change: c.2470C>T on transcript NM_001195605.2 (MANE Select); coding-DNA position 2470, C replaced by T.
Protein change: p.Leu824Phe; replaces leucine 824 with phenylalanine.
Molecular consequence: missense variant.
Genome position (GRCh38, 1-based): chr19:55,616,088, C>T. VCF-style: chr19-55616088-C-T. GRCh37 (hg19) VCF-style: chr19-56127454-C-T.
Other names: short protein forms L824F.
Identifiers: ClinVar variation 3906051 (VCV003906051.10).

ClinVar aggregate classification (germline): Uncertain significance (1 of 4 stars; one submission).

gnomAD v4.1: 1 of 1,494,898 alleles (0.000067%); highest among the groups gnomAD compares: Non-Finnish European, 0.000089%; no homozygotes.

Submission:

CeGaT Center for Human Genetics Tuebingen
Classification: Uncertain significance. Last evaluated: 2025-06-01. Review status: criteria provided, single submitter. Criteria: CeGaT Center For Human Genetics Tuebingen Variant Classification Criteria Version 2. Collection method: clinical testing. Allele origin: germline. Affected: yes. Observed: 1 variant allele.
Comment: ZNF865: PP3